The following is an entry in ClinVar:

NM_015057.5(MYCBP2):c.1570+6A>G

Gene: MYCBP2 (MYC binding protein 2; minus strand). Cytogenetic location: 13q22.3.
Variant type: single nucleotide variant.
Coding change: c.1570+6A>G on transcript NM_015057.5 (MANE Select); 6 bases into the intron after coding-DNA position 1570, A replaced by G.
Molecular consequence: intron variant.
Genome position (GRCh38, 1-based): chr13:77,263,645, T>C on the plus strand (A>G on the coding strand, the complement: MYCBP2 is on the minus strand). VCF-style: chr13-77263645-T-C. GRCh37 (hg19) VCF-style: chr13-77837780-T-C.
Identifiers: ClinVar variation 5037243 (VCV005037243.1).

ClinVar aggregate classification (germline): Uncertain significance (1 of 4 stars; one submission).

gnomAD v4.1: 2 of 1,606,716 alleles (0.00012%); highest among the groups gnomAD compares: Non-Finnish European, 0.00017%; no homozygotes.

Submission:

GeneDx
Classification: Uncertain significance. Last evaluated: 2026-04-15. Review status: criteria provided, single submitter. Criteria: GeneDx Variant Classification Process June 2021. Collection method: clinical testing. Allele origin: germline.
Comment: Not observed at significant frequency in large population cohorts (gnomAD); In silico analysis supports a deleterious effect on splicing; Has not been previously published as pathogenic or benign to our knowledge